The following is an entry in ClinVar:

ClinVar aggregate classification (germline): Uncertain significance (1 of 4 stars; one submission).

Submission:

Labcorp Genetics (formerly Invitae), Labcorp
Classification: Uncertain significance. Last evaluated: 2022-08-25. Review status: criteria provided, single submitter. Criteria: Invitae Variant Classification Sherloc (09022015). Collection method: clinical testing. Allele origin: germline.
Comment: In summary, the available evidence is currently insufficient to determine the role of this variant in disease. Therefore, it has been classified as a Variant of Uncertain Significance. Algorithms developed to predict the effect of missense changes on protein structure and function (SIFT, PolyPhen-2, Align-GVGD) all suggest that this variant is likely to be tolerated. This variant has not been reported in the literature in individuals affected with PPP3CA-related conditions. This variant is not present in population databases (gnomAD no frequency). This sequence change replaces lysine, which is basic and polar, with threonine, which is neutral and polar, at codon 466 of the PPP3CA protein (p.Lys466Thr).

NM_000944.5(PPP3CA):c.1397A>C (p.Lys466Thr)

Gene: PPP3CA (protein phosphatase 3 catalytic subunit alpha; minus strand). Cytogenetic location: 4q24.
Variant type: single nucleotide variant.
Coding change: c.1397A>C on transcript NM_000944.5 (MANE Select); coding-DNA position 1397, A replaced by C.
Protein change: p.Lys466Thr; replaces lysine 466 with threonine.
Molecular consequence: missense variant.
Genome position (GRCh38, 1-based): chr4:101,026,034, T>G on the plus strand (A>C on the coding strand, the complement: PPP3CA is on the minus strand). VCF-style: chr4-101026034-T-G. GRCh37 (hg19) VCF-style: chr4-101947191-T-G.
Other names: c.1367A>C, p.Lys456Thr (NM_001130691.2); c.1241A>C, p.Lys414Thr (NM_001130692.2); short protein forms K466T, K456T, K414T.
Identifiers: ClinVar variation 2053251 (VCV002053251.4), dbSNP rs2476197521, ClinGen allele CA357947790.